The following is an entry in ClinVar:

ClinVar aggregate classification (germline): Benign/Likely benign. Review status: criteria provided, multiple submitters, no conflicts (2 of 4 stars). 3 submissions from 3 submitters: Benign (1); Likely benign (2). Last evaluated 2025-10-17.

Conditions:
Birt-Hogg-Dube syndrome 1 (BHD1). Also called: FIBROFOLLICULOMAS WITH TRICHODISCOMAS AND ACROCHORDONS. Identifiers: Orphanet 122, MedGen CN375946, MONDO:0800445, OMIM 135150.
Hereditary cancer-predisposing syndrome. Also called: Hereditary Cancer Syndrome; Neoplastic Syndromes, Hereditary; Hereditary neoplastic syndrome; Tumor predisposition. Identifiers: Orphanet 140162, MedGen C0027672, MeSH D009386, MONDO:0015356.
Birt-Hogg-Dube syndrome. Also called: Birt Hogg Dubé syndrome. Identifiers: Orphanet 122, MedGen C0346010, MONDO:0800444.

Allele frequency attached by ClinVar (database versions not stated): gnomAD exomes below 0.00001 and 0.00001; ExAC 0.00001; gnomAD 0.00001; TOPMed 0.00001.
gnomAD v4.1: 6 of 1,614,066 alleles (0.00037%); highest among the groups gnomAD compares: East Asian, 0.0067%; no homozygotes.

Submissions (3):

Labcorp Genetics (formerly Invitae), Labcorp
Classification: Likely benign for Birt-Hogg-Dube syndrome. Last evaluated: 2025-10-17. Review status: criteria provided, single submitter. Criteria: Invitae Variant Classification Sherloc (09022015). Collection method: clinical testing. Allele origin: germline.

Myriad Genetics, Inc.
Classification: Benign for Birt-Hogg-Dube syndrome 1. Last evaluated: 2024-10-25. Review status: criteria provided, single submitter. Criteria: Myriad Autosomal Dominant, Autosomal Recessive and X-Linked Classification Criteria (2023). Collection method: clinical testing. Allele origin: unknown.
Comment: This variant is considered benign. This variant is a silent/synonymous amino acid change and it is not expected to impact splicing.

Ambry Genetics
Classification: Likely benign for Hereditary cancer-predisposing syndrome. Last evaluated: 2018-08-13. Review status: criteria provided, single submitter. Criteria: Ambry Variant Classification Scheme 2023. Collection method: clinical testing. Allele origin: germline.

NM_144997.7(FLCN):c.1476C>T (p.Asn492=)

Gene: FLCN (folliculin; minus strand). Cytogenetic location: 17p11.2.
Variant type: single nucleotide variant.
Coding change: c.1476C>T on transcript NM_144997.7 (MANE Select); coding-DNA position 1476, C replaced by T.
Protein change: p.Asn492=; no amino-acid change (asparagine 492 retained).
Molecular consequence: synonymous variant.
Genome position (GRCh38, 1-based): chr17:17,215,047, G>A on the plus strand (C>T on the coding strand, the complement: FLCN is on the minus strand). VCF-style: chr17-17215047-G-A. GRCh37 (hg19) VCF-style: chr17-17118361-G-A.
Other names: c.1530C>T, p.Asn510= (NM_001353229.2); c.1476C>T, p.Asn492= (NM_001353230.2, NM_001353231.2).
Identifiers: ClinVar variation 819286 (VCV000819286.12), dbSNP rs779837933, ClinGen allele CA8415957.
Genomic context (GRCh38, chr17:17,215,047, plus strand): 5'-CATCCACTCCTCCTTGAGGCAGACGAGGCACTGGTCCACCACATCCACAGACAGGTTCTG[G>A]TTGGTCAGAGCCGCTTCAATCTTATTCAGGATGGTGGGGCCCACTGGGGAGAAGGGCAGG-3'
Protein context (NP_659434.2, residues 482-502): ILNKIEAALT[Asn492=]QNLSVDVVDQ